The following is an entry in ClinVar:

NM_006946.4(SPTBN2):c.4714C>T (p.Arg1572Cys)

Gene: SPTBN2 (spectrin beta, non-erythrocytic 2; minus strand). Cytogenetic location: 11q13.2.
Variant type: single nucleotide variant.
Coding change: c.4714C>T on transcript NM_006946.4 (MANE Select); coding-DNA position 4714, C replaced by T.
Protein change: p.Arg1572Cys; replaces arginine 1572 with cysteine.
Molecular consequence: missense variant.
Genome position (GRCh38, 1-based): chr11:66,693,326, G>A on the plus strand (C>T on the coding strand, the complement: SPTBN2 is on the minus strand). VCF-style: chr11-66693326-G-A. GRCh37 (hg19) VCF-style: chr11-66460797-G-A.
Other names: short protein forms R1572C.
Identifiers: ClinVar variation 305554 (VCV000305554.13), dbSNP rs368125962, ClinGen allele CA10635397.

ClinVar aggregate classification (germline): Uncertain significance. Review status: criteria provided, multiple submitters, no conflicts (2 of 4 stars). 2 submissions from 2 submitters: Uncertain significance (2). Last evaluated 2025-07-03.

Conditions:
Inborn genetic diseases. Identifiers: MedGen C0950123, MeSH D030342.

Allele frequency attached by ClinVar (database versions not stated): gnomAD exomes below 0.00001 and 0.00001; gnomAD 0.00001; TOPMed 0.00002.
gnomAD v4.1: 11 of 1,611,326 alleles (0.00068%); highest among the groups gnomAD compares: African/African-American, 0.0053%; no homozygotes.

Submissions (2):

Labcorp Genetics (formerly Invitae), Labcorp
Classification: Uncertain significance. Last evaluated: 2025-07-03. Review status: criteria provided, single submitter. Criteria: Invitae Variant Classification Sherloc (09022015). Collection method: clinical testing. Allele origin: germline.
Comment: This sequence change replaces arginine, which is basic and polar, with cysteine, which is neutral and slightly polar, at codon 1572 of the SPTBN2 protein (p.Arg1572Cys). This variant is present in population databases (rs368125962, gnomAD 0.004%). This variant has not been reported in the literature in individuals affected with SPTBN2-related conditions. ClinVar contains an entry for this variant (Variation ID: 305554). Invitae Evidence Modeling of protein sequence and biophysical properties (such as structural, functional, and spatial information, amino acid conservation, physicochemical variation, residue mobility, and thermodynamic stability) indicates that this missense variant is not expected to disrupt SPTBN2 protein function with a negative predictive value of 80%. In summary, the available evidence is currently insufficient to determine the role of this variant in disease. Therefore, it has been classified as a Variant of Uncertain Significance.

Ambry Genetics
Classification: Uncertain significance for Inborn genetic diseases. Last evaluated: 2025-02-26. Review status: criteria provided, single submitter. Criteria: Ambry Variant Classification Scheme 2023. Collection method: clinical testing. Allele origin: germline.